The following is an entry in ClinVar:

ClinVar aggregate classification (germline): Conflicting classifications of pathogenicity. Review status: criteria provided, conflicting classifications (1 of 4 stars). 3 submissions from 3 submitters: Uncertain significance (2); Likely benign (1). Last evaluated 2025-04-16.

Conditions:
Inborn genetic diseases. Identifiers: MedGen C0950123, MeSH D030342.

Allele frequency attached by ClinVar (database versions not stated): ExAC 0.00005; gnomAD exomes 0.00005 and 0.00006; gnomAD 0.00006 and 0.00007; TOPMed 0.00007; 1000 Genomes Project 30x 0.00016; 1000 Genomes Project 0.00020.

Submissions (3):

Labcorp Genetics (formerly Invitae), Labcorp
Classification: Uncertain significance. Last evaluated: 2025-04-16. Review status: criteria provided, single submitter. Criteria: Invitae Variant Classification Sherloc (09022015). Collection method: clinical testing. Allele origin: germline.
Comment: This sequence change replaces alanine, which is neutral and non-polar, with valine, which is neutral and non-polar, at codon 244 of the CABP4 protein (p.Ala244Val). This variant is present in population databases (rs569810738, gnomAD 0.009%). This variant has not been reported in the literature in individuals affected with CABP4-related conditions. ClinVar contains an entry for this variant (Variation ID: 1013970). Invitae Evidence Modeling of protein sequence and biophysical properties (such as structural, functional, and spatial information, amino acid conservation, physicochemical variation, residue mobility, and thermodynamic stability) indicates that this missense variant is not expected to disrupt CABP4 protein function with a negative predictive value of 80%. In summary, the available evidence is currently insufficient to determine the role of this variant in disease. Therefore, it has been classified as a Variant of Uncertain Significance.

Ambry Genetics
Classification: Likely benign for Inborn genetic diseases. Last evaluated: 2022-12-01. Review status: criteria provided, single submitter. Criteria: Ambry Variant Classification Scheme 2023. Collection method: clinical testing. Allele origin: germline.

Blueprint Genetics
Classification: Uncertain significance. Last evaluated: 2022-04-06. Review status: criteria provided, single submitter. Criteria: ACMG Guidelines, 2015. Collection method: clinical testing. Allele origin: germline.

NM_145200.5(CABP4):c.731C>T (p.Ala244Val)

Gene: CABP4 (calcium binding protein 4; plus strand). Cytogenetic location: 11q13.2.
Variant type: single nucleotide variant.
Coding change: c.731C>T on transcript NM_145200.5 (MANE Select); coding-DNA position 731, C replaced by T.
Protein change: p.Ala244Val; replaces alanine 244 with valine.
Molecular consequence: missense variant. On other transcripts: non-coding transcript variant (1).
Genome position (GRCh38, 1-based): chr11:67,458,450, C>T. VCF-style: chr11-67458450-C-T. GRCh37 (hg19) VCF-style: chr11-67225921-C-T.
Other names: c.416C>T, p.Ala139Val (NM_001300895.3, NM_001300896.3, NM_001379183.1); c.731C>T (NM_145200.3); short protein forms A139V, A244V.
Identifiers: ClinVar variation 1013970 (VCV001013970.7), dbSNP rs569810738, ClinGen allele CA6140334.